The following is an entry in ClinVar:

ClinVar aggregate classification (germline): Uncertain significance (1 of 4 stars; one submission).

Conditions:
Hereditary cancer-predisposing syndrome. Also called: Neoplastic Syndromes, Hereditary; Tumor predisposition; Hereditary neoplastic syndrome; Hereditary Cancer Syndrome. Identifiers: Orphanet 140162, MedGen C0027672, MeSH D009386, MONDO:0015356.

Submission:

Ambry Genetics
Classification: Uncertain significance for Hereditary cancer-predisposing syndrome. Last evaluated: 2026-08-04. Review status: criteria provided, single submitter. Criteria: Ambry Variant Classification Scheme 2023. Collection method: clinical testing. Allele origin: germline.
Comment: The p.T238R variant (also known as c.713C>G), located in coding exon 6 of the BRIP1 gene, results from a C to G substitution at nucleotide position 713. The threonine at codon 238 is replaced by arginine, an amino acid with similar properties. This amino acid position is conserved. In addition, this alteration is predicted to be tolerated by in silico analysis. Based on the available evidence, the clinical significance of this variant remains unclear.

NM_032043.3(BRIP1):c.713C>G (p.Thr238Arg)

Gene: BRIP1 (BRCA1 interacting DNA helicase 1; minus strand). Cytogenetic location: 17q23.2.
Variant type: single nucleotide variant.
Coding change: c.713C>G on transcript NM_032043.3 (MANE Select); coding-DNA position 713, C replaced by G.
Protein change: p.Thr238Arg; replaces threonine 238 with arginine.
Molecular consequence: missense variant.
Genome position (GRCh38, 1-based): chr17:61,808,672, G>C on the plus strand (C>G on the coding strand, the complement: BRIP1 is on the minus strand). VCF-style: chr17-61808672-G-C. GRCh37 (hg19) VCF-style: chr17-59886033-G-C.
Other names: short protein forms T238R.
Identifiers: ClinVar variation 5033442 (VCV005033442.1).
Genomic context (GRCh38, chr17:61,808,672, plus strand): 5'-TGAGCAATCTGCTTGTGTGTGCGTGTCCCAAAATATATTTTGGGTATCTTGGATTTCCCT[G>C]TATGATCCTTCTTAATGGTATTCGATGACTCTTGACTGTTTCCTTGTTTAGTAGAACAAC-3'
Protein context (NP_114432.2, residues 228-248): ESSNTIKKDH[Thr238Arg]GKSKIPKIYF